The following is an entry in ClinVar:

ClinVar aggregate classification (germline): Uncertain significance. Review status: criteria provided, multiple submitters, no conflicts (2 of 4 stars). 2 submissions from 2 submitters: Uncertain significance (2). Last evaluated 2026-03-12.

Conditions:
NEFH-related disorder. Also called: NEFH-related condition.

Allele frequency attached by ClinVar (database versions not stated): gnomAD 0.00001; TOPMed 0.00001.
gnomAD v4.1: 36 of 1,540,356 alleles (0.0023%); highest among the groups gnomAD compares: Non-Finnish European, 0.003%; no homozygotes.

Submissions (2):

PreventionGenetics, part of Exact Sciences
Classification: Uncertain significance for NEFH-related condition. Last evaluated: 2026-03-12. Review status: criteria provided, single submitter. Criteria: ACMG Guidelines, 2015. Collection method: clinical testing. Allele origin: germline.
Comment: The NEFH c.289G>C variant is predicted to result in the amino acid substitution p.Glu97Gln. To our knowledge, this variant has not been reported in the literature. This variant is reported in 0.0018% of alleles in individuals of European (Non-Finnish) descent in gnomAD. At this time, the clinical significance of this variant is uncertain due to the absence of conclusive functional and genetic evidence.

Labcorp Genetics (formerly Invitae), Labcorp
Classification: Uncertain significance. Last evaluated: 2024-03-02. Review status: criteria provided, single submitter. Criteria: Invitae Variant Classification Sherloc (09022015). Collection method: clinical testing. Allele origin: germline.
Comment: This sequence change replaces glutamic acid, which is acidic and polar, with glutamine, which is neutral and polar, at codon 97 of the NEFH protein (p.Glu97Gln). This variant is present in population databases (no rsID available, gnomAD 0.002%). This variant has not been reported in the literature in individuals affected with NEFH-related conditions. ClinVar contains an entry for this variant (Variation ID: 2183597). Advanced modeling of protein sequence and biophysical properties (such as structural, functional, and spatial information, amino acid conservation, physicochemical variation, residue mobility, and thermodynamic stability) performed at Invitae indicates that this missense variant is expected to disrupt NEFH protein function with a positive predictive value of 95%. In summary, the available evidence is currently insufficient to determine the role of this variant in disease. Therefore, it has been classified as a Variant of Uncertain Significance.

NM_021076.4(NEFH):c.289G>C (p.Glu97Gln)

Gene: NEFH (neurofilament heavy chain; plus strand). Cytogenetic location: 22q12.2.
Variant type: single nucleotide variant.
Coding change: c.289G>C on transcript NM_021076.4 (MANE Select); coding-DNA position 289, G replaced by C.
Protein change: p.Glu97Gln; replaces glutamic acid 97 with glutamine.
Molecular consequence: missense variant.
Genome position (GRCh38, 1-based): chr22:29,480,551, G>C. VCF-style: chr22-29480551-G-C. GRCh37 (hg19) VCF-style: chr22-29876540-G-C.
Other names: c.289G>C (NM_021076.3); short protein forms E97Q.
Identifiers: ClinVar variation 2183597 (VCV002183597.5), dbSNP rs992666406, ClinGen allele CA323082822.